The following is an entry in ClinVar:

NM_001367624.2(ZNF469):c.5737G>A (p.Ala1913Thr)

Gene: ZNF469 (zinc finger protein 469; plus strand). Cytogenetic location: 16q24.2.
Variant type: single nucleotide variant.
Coding change: c.5737G>A on transcript NM_001367624.2 (MANE Select); coding-DNA position 5737, G replaced by A.
Protein change: p.Ala1913Thr; replaces alanine 1913 with threonine.
Molecular consequence: missense variant.
Genome position (GRCh38, 1-based): chr16:88,433,207, G>A. VCF-style: chr16-88433207-G-A. GRCh37 (hg19) VCF-style: chr16-88499615-G-A.
Other names: short protein forms A1913T.
Identifiers: ClinVar variation 1996340 (VCV001996340.4), dbSNP rs2507591435, ClinGen allele CA397102057.

ClinVar aggregate classification (germline): Uncertain significance (1 of 4 stars; one submission).

Submission:

Labcorp Genetics (formerly Invitae), Labcorp
Classification: Uncertain significance. Last evaluated: 2022-05-19. Review status: criteria provided, single submitter. Criteria: Invitae Variant Classification Sherloc (09022015). Collection method: clinical testing. Allele origin: germline.
Comment: This sequence change replaces alanine, which is neutral and non-polar, with threonine, which is neutral and polar, at codon 1885 of the ZNF469 protein (p.Ala1885Thr). This variant is not present in population databases (gnomAD no frequency). This variant has not been reported in the literature in individuals affected with ZNF469-related conditions. Algorithms developed to predict the effect of missense changes on protein structure and function output the following: SIFT: "Deleterious"; PolyPhen-2: "Benign"; Align-GVGD: "Class C0". The threonine amino acid residue is found in multiple mammalian species, which suggests that this missense change does not adversely affect protein function. In summary, the available evidence is currently insufficient to determine the role of this variant in disease. Therefore, it has been classified as a Variant of Uncertain Significance.